The following is an entry in ClinVar:

ClinVar aggregate classification (germline): Likely benign. Review status: criteria provided, single submitter (1 of 4 stars). 2 submissions from 2 submitters: Likely benign (1). 1 of the submissions does not count toward it. Last evaluated 2023-04-01.

Conditions:
TAF15-related disorder. Also called: TAF15-related condition.

Allele frequency attached by ClinVar (database versions not stated): ExAC 0.00002; gnomAD 0.00005; 1000 Genomes Project 0.00140.
gnomAD v4.1: 45 of 1,605,512 alleles (0.0028%); highest among the groups gnomAD compares: Middle Eastern, 0.018%; no homozygotes.

Submissions (2):

CeGaT Center for Human Genetics Tuebingen
Classification: Likely benign. Last evaluated: 2023-04-01. Review status: criteria provided, single submitter. Criteria: CeGaT Center For Human Genetics Tuebingen Variant Classification Criteria Version 2. Collection method: clinical testing. Allele origin: germline. Affected: yes. Observed: 1 variant allele.
Comment: TAF15: BP4, BP7

PreventionGenetics, part of Exact Sciences
Classification: Likely benign for TAF15-related condition. Last evaluated: 2022-01-03. Review status: no assertion criteria provided. Collection method: clinical testing. Allele origin: germline. Not counted in ClinVar's aggregate classification.
Comment: This variant is classified as likely benign based on ACMG/AMP sequence variant interpretation guidelines (Richards et al. 2015 PMID: 25741868, with internal and published modifications).

NM_139215.3(TAF15):c.1407C>T (p.Gly469=)

Gene: TAF15 (TATA-box binding protein associated factor 15; plus strand). Cytogenetic location: 17q12.
Variant type: single nucleotide variant.
Coding change: c.1407C>T on transcript NM_139215.3 (MANE Select); coding-DNA position 1407, C replaced by T.
Protein change: p.Gly469=; no amino-acid change (glycine 469 retained).
Molecular consequence: synonymous variant.
Genome position (GRCh38, 1-based): chr17:35,844,706, C>T. VCF-style: chr17-35844706-C-T. GRCh37 (hg19) VCF-style: chr17-34171710-C-T.
Other names: c.1407C>T (NM_139215.2); c.1398C>T, p.Gly466= (NM_003487.4).
Identifiers: ClinVar variation 2647679 (VCV002647679.25), dbSNP rs560641478, ClinGen allele CA290041430.